The following is an entry in ClinVar:

ClinVar aggregate classification (germline): Benign (1 of 4 stars; one submission).

Allele frequency attached by ClinVar (database versions not stated): 1000 Genomes Project 0.53095; 1000 Genomes Project 30x 0.53795; TOPMed 0.54846.
gnomAD v4.1: 81,123 of 151,998 alleles (53%); highest among the groups gnomAD compares: Admixed American, 61%; 21,942 homozygotes.

Submission:

GeneDx
Classification: Benign. Last evaluated: 2018-06-19. Review status: criteria provided, single submitter. Criteria: GeneDx Variant Classification (06012015). Collection method: clinical testing. Allele origin: germline. Affected: yes.
Comment: This variant is considered likely benign or benign based on one or more of the following criteria: it is a conservative change, it occurs at a poorly conserved position in the protein, it is predicted to be benign by multiple in silico algorithms, and/or has population frequency not consistent with disease.

NM_005908.4(MANBA):c.2158-260C>G

Gene: MANBA (mannosidase beta; minus strand). Cytogenetic location: 4q24.
Variant type: single nucleotide variant.
Coding change: c.2158-260C>G on transcript NM_005908.4 (MANE Select); 260 bases into the intron before coding-DNA position 2158, C replaced by G.
Molecular consequence: intron variant.
Genome position (GRCh38, 1-based): chr4:102,635,305, G>C on the plus strand (C>G on the coding strand, the complement: MANBA is on the minus strand). VCF-style: chr4-102635305-G-C. GRCh37 (hg19) VCF-style: chr4-103556462-G-C.
Identifiers: ClinVar variation 667473 (VCV000667473.1), dbSNP rs4586937, ClinGen allele CA11695954.